The following is an entry in ClinVar:

GRCh37/hg19 22q13.1(chr22:40687757-40768900)x1

Genes: ADSL (adenylosuccinate lyase; plus strand), SGSM3 (small G protein signaling modulator 3; plus strand), TNRC6B (trinucleotide repeat containing adaptor 6B; plus strand). Cytogenetic location: 22q13.1.
Variant type: copy number loss.
Change: copy number 1 (one copy instead of two) of chr22:40,687,757-40,768,900 (81.1 kb, GRCh37 coordinates, 1-based), cytogenetic band 22q13.1.
Identifiers: ClinVar variation 4683005 (VCV004683005.1).

ClinVar aggregate classification (germline): Pathogenic (1 of 4 stars; one submission).

Submission:

Quest Diagnostics Nichols Institute San Juan Capistrano
Classification: Pathogenic. Last evaluated: 2025-01-20. Review status: criteria provided, single submitter. Criteria: ACMG/ClinGen CNV Guidelines, 2019. Collection method: clinical testing. Allele origin: unknown.
Comment: This deletion involves multiple exons (NM_001162501.2) of the 3' portion of TNRC6B (OMIM 610740). Haploinsufficiency of TNRC6B (CCID:008025) is associated with autosomal dominant global developmental delay with speech and behavioral abnormalities (GDSBA) (OMIM 619243; Granadillo 2020, Yang 2024). There are no similar copy number losses of this region in the general populations of the Database of Genomic Variants. Thus, this copy number variant (CNV) is classified as pathogenic. References: Granadillo et al., J Med Genet. 2020 Oct;57(10):717-724. PMID: 32152250 Yang et al., Mol Genet Genomic Med. 2024 Feb;12(2):e2408. PMID: 38404251